The following is an entry in ClinVar:

NM_001127222.2(CACNA1A):c.2104+6C>T

Gene: CACNA1A (calcium voltage-gated channel subunit alpha1 A; minus strand). Cytogenetic location: 19p13.13.
Variant type: single nucleotide variant.
Coding change: c.2104+6C>T on transcript NM_001127222.2 (MANE Select); 6 bases into the intron after coding-DNA position 2104, C replaced by T.
Molecular consequence: intron variant.
Genome position (GRCh38, 1-based): chr19:13,303,761, G>A on the plus strand (C>T on the coding strand, the complement: CACNA1A is on the minus strand). VCF-style: chr19-13303761-G-A. GRCh37 (hg19) VCF-style: chr19-13414575-G-A.
Other names: c.2107+6C>T (NM_001127221.2, NM_001174080.2, NM_000068.4 and 1 more transcripts).
Identifiers: ClinVar variation 446907 (VCV000446907.15), dbSNP rs372970603, ClinGen allele CA9240638.
Genomic context (GRCh38, chr19:13,303,761, plus strand): 5'-GCCCCTGCAACCTCTCCTCTGCCAGAGGTCCAGGCCTGTCCCCTTCTCTCTCTCCATGAA[G>A]GATACAGTTCCCAAAGAGCGTCAGTACAATGAAATAGATGGAGAACACCATGCCGCCCTG-3'

ClinVar aggregate classification (germline): Uncertain significance. Review status: criteria provided, multiple submitters, no conflicts (2 of 4 stars). 3 submissions from 3 submitters: Uncertain significance (3). Last evaluated 2026-01-27.

Conditions:
Episodic ataxia type 2 (EA2). Also called: ATAXIA, EPISODIC, WITH NYSTAGMUS; ATAXIA, FAMILIAL PAROXYSMAL; CEREBELLAR ATAXIA, PAROXYSMAL, ACETAZOLAMIDE-RESPONSIVE; CEREBELLOPATHY, HEREDITARY PAROXYSMAL; ACETAZOLAMIDE-RESPONSIVE HEREDITARY PAROXYSMAL CEREBELLAR ATAXIA; EPISODIC ATAXIA, NYSTAGMUS-ASSOCIATED. Identifiers: Orphanet 97, MedGen C1720416, MONDO:0007163, OMIM 108500.
Developmental and epileptic encephalopathy, 42 (DEE42A). Also called: Epileptic encephalopathy, early infantile, 42; DEVELOPMENTAL AND EPILEPTIC ENCEPHALOPATHY 42A; EPILEPTIC ENCEPHALOPATHY, EARLY INFANTILE, 42A. Identifiers: MedGen C4310716, MONDO:0014917, OMIM 617106.

Allele frequency attached by ClinVar (database versions not stated): gnomAD exomes 0.00001 and 0.00003; ExAC 0.00004; gnomAD 0.00009; TOPMed 0.00009; ESP Exome Variant Server 0.00024.
gnomAD v4.1: 28 of 1,601,840 alleles (0.0017%); highest among the groups gnomAD compares: African/African-American, 0.029%; no homozygotes.

Submissions (3):

Labcorp Genetics (formerly Invitae), Labcorp
Classification: Uncertain significance for Developmental and epileptic encephalopathy, 42; Episodic ataxia type 2. Last evaluated: 2026-01-27. Review status: criteria provided, single submitter. Criteria: Invitae Variant Classification Sherloc (09022015). Collection method: clinical testing. Allele origin: germline.
Comment: This sequence change falls in intron 16 of the CACNA1A gene. It does not directly change the encoded amino acid sequence of the CACNA1A protein. It affects a nucleotide within the consensus splice site. This variant is present in population databases (rs372970603, gnomAD 0.04%). This variant has not been reported in the literature in individuals affected with CACNA1A-related conditions. ClinVar contains an entry for this variant (Variation ID: 446907). Variants that disrupt the consensus splice site are a relatively common cause of aberrant splicing (PMID: 17576681, 9536098). Algorithms developed to predict the effect of sequence changes on RNA splicing suggest that this variant may disrupt the consensus splice site. In summary, the available evidence is currently insufficient to determine the role of this variant in disease. Therefore, it has been classified as a Variant of Uncertain Significance.

Athena Diagnostics
Classification: Uncertain significance. Last evaluated: 2023-08-11. Review status: criteria provided, single submitter. Criteria: Athena Diagnostics Criteria. Collection method: clinical testing. Allele origin: unknown.
Comment: Available data are insufficient to determine the clinical significance of the variant at this time. The frequency of this variant in the general population is higher than would generally be expected for pathogenic variants in this gene. Computational tools yielded inconclusive predictions regarding the effect of this variant on RNA splicing.

GeneDx
Classification: Uncertain significance. Last evaluated: 2022-05-02. Review status: criteria provided, single submitter. Criteria: GeneDx Variant Classification Process June 2021. Collection method: clinical testing. Allele origin: germline. Affected: yes.
Comment: In silico analysis supports a deleterious effect on splicing; Has not been previously published as pathogenic or benign to our knowledge

Literature cited by the submitters: PubMed 17576681 (cited by Labcorp Genetics (formerly Invitae), Labcorp); PubMed 9536098 (cited by Labcorp Genetics (formerly Invitae), Labcorp).